The following is an entry in ClinVar:

ClinVar aggregate classification (germline): Uncertain significance. Review status: criteria provided, multiple submitters, no conflicts (2 of 4 stars). 2 submissions from 2 submitters: Uncertain significance (2). Last evaluated 2025-07-07.

Conditions:
FGFR2-related craniosynostosis. Identifiers: MedGen CN231480.

Allele frequency attached by ClinVar (database versions not stated): gnomAD exomes 0.00001 and 0.00003; TOPMed 0.00001; ExAC 0.00002.
gnomAD v4.1: 7 of 1,613,914 alleles (0.00043%); highest among the groups gnomAD compares: East Asian, 0.016%; no homozygotes.

Submissions (2):

Labcorp Genetics (formerly Invitae), Labcorp
Classification: Uncertain significance for FGFR2-related craniosynostosis. Last evaluated: 2025-07-07. Review status: criteria provided, single submitter. Criteria: Invitae Variant Classification Sherloc (09022015). Collection method: clinical testing. Allele origin: germline.
Comment: This sequence change replaces valine, which is neutral and non-polar, with aspartic acid, which is acidic and polar, at codon 463 of the FGFR2 protein (p.Val463Asp). This variant is present in population databases (rs751433223, gnomAD 0.03%). This variant has not been reported in the literature in individuals affected with FGFR2-related conditions. ClinVar contains an entry for this variant (Variation ID: 1001445). Invitae Evidence Modeling of protein sequence and biophysical properties (such as structural, functional, and spatial information, amino acid conservation, physicochemical variation, residue mobility, and thermodynamic stability) indicates that this missense variant is not expected to disrupt FGFR2 protein function with a negative predictive value of 80%. In summary, the available evidence is currently insufficient to determine the role of this variant in disease. Therefore, it has been classified as a Variant of Uncertain Significance.

GeneDx
Classification: Uncertain significance. Last evaluated: 2024-09-25. Review status: criteria provided, single submitter. Criteria: GeneDx Variant Classification Process June 2021. Collection method: clinical testing. Allele origin: germline. Affected: yes.
Comment: Reported in a patient with unilateral microtia in published literature (PMID: 28968992); In silico analysis supports that this missense variant has a deleterious effect on protein structure/function; This variant is associated with the following publications: (PMID: 32499836, 28968992)

NM_000141.5(FGFR2):c.1388T>A (p.Val463Asp)

Gene: FGFR2 (fibroblast growth factor receptor 2; minus strand). Cytogenetic location: 10q26.13.
Variant type: single nucleotide variant.
Coding change: c.1388T>A on transcript NM_000141.5 (MANE Select); coding-DNA position 1388, T replaced by A.
Protein change: p.Val463Asp; replaces valine 463 with aspartic acid.
Molecular consequence: missense variant. On other transcripts: non-coding transcript variant (1).
Genome position (GRCh38, 1-based): chr10:121,503,841, A>T on the plus strand (T>A on the coding strand, the complement: FGFR2 is on the minus strand). VCF-style: chr10-121503841-A-T. GRCh37 (hg19) VCF-style: chr10-123263355-A-T.
Other names: c.1391T>A, p.Val464Asp (NM_001144913.1, NM_022970.4); c.1052T>A, p.Val351Asp (NM_001144914.1); c.1121T>A, p.Val374Asp (NM_001144915.2, NM_023029.3); c.1043T>A, p.Val348Asp (NM_001144916.2); c.1040T>A, p.Val347Asp (NM_001144917.2); c.1037T>A, p.Val346Asp (NM_001144918.2); c.1124T>A, p.Val375Asp (NM_001144919.2); c.704T>A, p.Val235Asp (NM_001320654.2); and 1 more; short protein forms V235D, V346D, V347D, V348D, V351D, V374D, V375D, V461D.
Identifiers: ClinVar variation 1001445 (VCV001001445.9), dbSNP rs751433223, ClinGen allele CA5720757.